The following is an entry in ClinVar:

NM_000493.4(COL10A1):c.1856C>A (p.Thr619Asn)

Genes: COL10A1 (collagen type X alpha 1 chain; minus strand), NT5DC1 (5'-nucleotidase domain containing 1; plus strand). Cytogenetic location: 6q22.1.
Variant type: single nucleotide variant.
Coding change: c.1856C>A on transcript NM_000493.4 (MANE Select); coding-DNA position 1856, C replaced by A.
Protein change: p.Thr619Asn; replaces threonine 619 with asparagine.
Molecular consequence: missense variant. On other transcripts: intron variant (1).
Genome position (GRCh38, 1-based): chr6:116,120,260, G>T on the plus strand (C>A on the coding strand, the complement: COL10A1 is on the minus strand). VCF-style: chr6-116120260-G-T. GRCh37 (hg19) VCF-style: chr6-116441423-G-T.
Other names: c.1856C>A, p.Thr619Asn (NM_001424106.1, NM_001424107.1); c.529+2315G>T (NM_152729.3); short protein forms T619N.
Identifiers: ClinVar variation 1414302 (VCV001414302.8), dbSNP rs770382060, ClinGen allele CA365386630.

ClinVar aggregate classification (germline): Uncertain significance (1 of 4 stars; one submission).

Submission:

Labcorp Genetics (formerly Invitae), Labcorp
Classification: Uncertain significance. Last evaluated: 2021-01-13. Review status: criteria provided, single submitter. Criteria: Invitae Variant Classification Sherloc (09022015). Collection method: clinical testing. Allele origin: germline.
Comment: This sequence change replaces threonine with asparagine at codon 619 of the COL10A1 protein (p.Thr619Asn). The threonine residue is moderately conserved and there is a small physicochemical difference between threonine and asparagine. In summary, the available evidence is currently insufficient to determine the role of this variant in disease. Therefore, it has been classified as a Variant of Uncertain Significance. Algorithms developed to predict the effect of missense changes on protein structure and function (SIFT, PolyPhen-2, Align-GVGD) all suggest that this variant is likely to be tolerated, but these predictions have not been confirmed by published functional studies and their clinical significance is uncertain. This variant has not been reported in the literature in individuals with COL10A1-related conditions. This variant is not present in population databases (ExAC no frequency).